The following is an entry in ClinVar:

ClinVar aggregate classification (germline): Pathogenic (1 of 4 stars; one submission).

Submission:

Ambry Genetics
Classification: Pathogenic. Last evaluated: 2026-04-10. Review status: criteria provided, single submitter. Criteria: Ambry Variant Classification Scheme 2023. Collection method: clinical testing. Allele origin: germline.
Comment: The c.974_984del11 (p.R325Lfs*3) alteration, located in exon 11 (coding exon 10) of the KDM2A gene, consists of a deletion of 11 nucleotides from position 974 to 984, causing a translational frameshift with a predicted alternate stop codon after 3 amino acids. This variant is expected to result in loss of function by premature protein truncation or nonsense-mediated mRNA decay. This variant was not reported in population-based cohorts in the Genome Aggregation Database (gnomAD). Based on the available evidence, this alteration is classified as pathogenic.

NM_012308.3(KDM2A):c.974_984del (p.Arg325fs)

Gene: KDM2A (lysine demethylase 2A; plus strand). Cytogenetic location: 11q13.2.
Variant type: Deletion.
Coding change: c.974_984del on transcript NM_012308.3 (MANE Select); coding-DNA positions 974 to 984, 11 bases deleted (GCTATCCATTC).
Protein change: p.Arg325fs; shifts the reading frame from arginine 325.
Molecular consequence: frameshift variant. On other transcripts: non-coding transcript variant (1).
Genome position (GRCh38, 1-based): chr11:67,228,053-67,228,063, GCTATCCATTC deleted; deleting any 11 consecutive bases within chr11:67,228,050-67,228,063 gives the same sequence; the c. name uses the placement nearest the transcript's 3' end. VCF-style (leftmost placement, unchanged base first): chr11-67228049-TTTCGCTATCCA-T. GRCh37 (hg19) VCF-style: chr11-66995520-TTTCGCTATCCA-T.
Other names: short protein forms R325fs.
Identifiers: ClinVar variation 4858762 (VCV004858762.1).